The following is an entry in ClinVar:

ClinVar aggregate classification (germline): Uncertain significance (1 of 4 stars; one submission).

Conditions:
Short-rib thoracic dysplasia 7 with or without polydactyly (SRTD7). Also called: SHORT-RIB THORACIC DYSPLASIA 7 WITH POLYDACTYLY; Short rib polydactyly syndrome 5. Identifiers: Orphanet 498497, Orphanet 93271, MedGen C3279792, MONDO:0013569, OMIM 614091.
Cranioectodermal dysplasia 2 (CED2). Identifiers: Orphanet 1515, MedGen C3150874, MONDO:0013323, OMIM 613610.

Allele frequency attached by ClinVar (database versions not stated): gnomAD 0.00001.
gnomAD v4.1: 2 of 1,614,092 alleles (0.00012%); highest among the groups gnomAD compares: Non-Finnish European, 0.00017%; no homozygotes.

Submission:

Labcorp Genetics (formerly Invitae), Labcorp
Classification: Uncertain significance for Cranioectodermal dysplasia 2; Short-rib thoracic dysplasia 7 with or without polydactyly. Last evaluated: 2025-01-20. Review status: criteria provided, single submitter. Criteria: Invitae Variant Classification Sherloc (09022015). Collection method: clinical testing. Allele origin: germline.
Comment: This sequence change replaces tyrosine, which is neutral and polar, with phenylalanine, which is neutral and non-polar, at codon 1105 of the WDR35 protein (p.Tyr1105Phe). This variant is not present in population databases (gnomAD no frequency). This variant has not been reported in the literature in individuals affected with WDR35-related conditions. ClinVar contains an entry for this variant (Variation ID: 2932047). Invitae Evidence Modeling of protein sequence and biophysical properties (such as structural, functional, and spatial information, amino acid conservation, physicochemical variation, residue mobility, and thermodynamic stability) indicates that this missense variant is not expected to disrupt WDR35 protein function with a negative predictive value of 95%. In summary, the available evidence is currently insufficient to determine the role of this variant in disease. Therefore, it has been classified as a Variant of Uncertain Significance.

NM_020779.4(WDR35):c.3281A>T (p.Tyr1094Phe)

Gene: WDR35 (WD repeat domain 35; minus strand). Cytogenetic location: 2p24.1.
Variant type: single nucleotide variant.
Coding change: c.3281A>T on transcript NM_020779.4 (MANE Select); coding-DNA position 3281, A replaced by T.
Protein change: p.Tyr1094Phe; replaces tyrosine 1094 with phenylalanine.
Molecular consequence: missense variant.
Genome position (GRCh38, 1-based): chr2:19,914,118, T>A on the plus strand (A>T on the coding strand, the complement: WDR35 is on the minus strand). VCF-style: chr2-19914118-T-A. GRCh37 (hg19) VCF-style: chr2-20113879-T-A.
Other names: c.3314A>T, p.Tyr1105Phe (NM_001006657.2); short protein forms Y1094F, Y1105F.
Identifiers: ClinVar variation 2932047 (VCV002932047.3), dbSNP rs1307362688, ClinGen allele CA346231388.
Genomic context (GRCh38, chr2:19,914,118, plus strand): 5'-TCAGGTTTTCTGTTATCTTTTGAAGTATGTTTGGTGAAGATTTCTAAAGCAAGGTCTTCA[T>A]ACTGCTGTTTCTGTTCTGAACTGAGGGTCTCTAAAGATTTAAGTTTAATGAAAGCTTTTG-3'
Protein context (NP_065830.2, residues 1084-1104): ETLSSEQKQQ[Tyr1094Phe]EDLALEIFTK